The following is an entry in ClinVar:

ClinVar aggregate classification (germline): Pathogenic (1 of 4 stars; one submission).

Conditions:
Microspherophakia and/or megalocornea, with ectopia lentis and with or without secondary glaucoma (MSPKA). Identifiers: Orphanet 238763, MedGen C3538951, MONDO:0009633, OMIM 251750.

Submission:

Diagnostics Services (NGS), CSIR - Centre For Cellular And Molecular Biology
Classification: Pathogenic for Microspherophakia and/or megalocornea, with ectopia lentis and with or without secondary glaucoma. Last evaluated: 2026-09-16. Review status: criteria provided, single submitter. Criteria: ACMG Guidelines, 2015. Collection method: clinical testing. Allele origin: germline. Affected: yes. Observed: 1 variant allele, 1 homozygote.
Comment: The c.2421G>A variant is not present in publicly available population databases like 1000 Genomes, EVS, gnomAD, Indian Exome Database, GenomeIndia Database or in our internal database. This variant has been previously observed in individual(s) affected with LTBP2-related conditions [PMID: 32165823;28384041] and reported to the Human Genome Mutation Database (HGMD ID: CM1710545). In-silico pathogenicity prediction programs like MutationTaster2, CADD, Varsome, Franklin, InterVar, etc predicted this variant to be likely deleterious. This variant creates a premature translational stop signal at the 807th amino acid position of the wild-type transcript that may either result in translation of a truncated protein or cause nonsense mediated decay of the mRNA.

Literature cited by the submitters: PubMed 32165823; PubMed 28384041.

NM_000428.3(LTBP2):c.2421G>A (p.Trp807Ter)

Gene: LTBP2 (latent transforming growth factor beta binding protein 2; minus strand). Cytogenetic location: 14q24.3.
Variant type: single nucleotide variant.
Coding change: c.2421G>A on transcript NM_000428.3 (MANE Select); coding-DNA position 2421, G replaced by A.
Protein change: p.Trp807Ter; replaces tryptophan 807 with a stop codon.
Molecular consequence: nonsense.
Genome position (GRCh38, 1-based): chr14:74,526,082, C>T on the plus strand (G>A on the coding strand, the complement: LTBP2 is on the minus strand). VCF-style: chr14-74526082-C-T. GRCh37 (hg19) VCF-style: chr14-74992785-C-T.
Other names: short protein forms W807*.
Identifiers: ClinVar variation 4974986 (VCV004974986.1).